The following is an entry in ClinVar:

ClinVar aggregate classification (germline): Uncertain significance. Review status: criteria provided, multiple submitters, no conflicts (2 of 4 stars). 3 submissions from 3 submitters: Uncertain significance (3). Last evaluated 2023-07-28.

Conditions:
Familial adenomatous polyposis 1 (FAP1). Also called: FAMILIAL ADENOMATOUS POLYPOSIS 1, ATTENUATED; POLYPOSIS, ADENOMATOUS INTESTINAL. Identifiers: MedGen C2713442, MONDO:0021056, OMIM 175100. Disease mechanism: loss of function.
Classic or attenuated familial adenomatous polyposis. Identifiers: MedGen CN372698, MONDO:0021057.

Submissions (3):

Baylor Genetics
Classification: Uncertain significance for Familial adenomatous polyposis 1. Last evaluated: 2023-07-28. Review status: criteria provided, single submitter. Criteria: ACMG Guidelines, 2015. Collection method: clinical testing. Allele origin: unknown.

Labcorp Genetics (formerly Invitae), Labcorp
Classification: Uncertain significance for Familial adenomatous polyposis 1. Last evaluated: 2023-01-24. Review status: criteria provided, single submitter. Criteria: Invitae Variant Classification Sherloc (09022015). Collection method: clinical testing. Allele origin: germline.
Comment: In summary, the available evidence is currently insufficient to determine the role of this variant in disease. Therefore, it has been classified as a Variant of Uncertain Significance. Advanced modeling of protein sequence and biophysical properties (such as structural, functional, and spatial information, amino acid conservation, physicochemical variation, residue mobility, and thermodynamic stability) performed at Invitae indicates that this missense variant is not expected to disrupt APC protein function. This variant has not been reported in the literature in individuals affected with APC-related conditions. This variant is not present in population databases (gnomAD no frequency). This sequence change replaces histidine, which is basic and polar, with asparagine, which is neutral and polar, at codon 361 of the APC protein (p.His361Asn).

All of Us Research Program, National Institutes of Health
Classification: Uncertain significance for Classic or attenuated familial adenomatous polyposis. Last evaluated: 2023-01-10. Review status: criteria provided, single submitter. Criteria: ACMG Guidelines, 2015. Collection method: clinical testing. Allele origin: germline. Inheritance: Autosomal dominant inheritance. Observed: 1 variant allele, 1 heterozygote.
Comment: This missense variant replaces histidine with asparagine at codon 361 of the APC protein. Computational prediction suggests that this variant may not impact protein structure and function (internally defined REVEL score threshold <= 0.5, PMID: 27666373). To our knowledge, functional studies have not been reported for this variant. This variant has not been reported in individuals affected with hereditary cancer in the literature. This variant has not been identified in the general population by the Genome Aggregation Database (gnomAD). The available evidence is insufficient to determine the role of this variant in disease conclusively. Therefore, this variant is classified as a Variant of Uncertain Significance.

This study involves interpretation of variants in research participants for the purpose of population health screening. Participant phenotype was not available at the time of variant classification. Additional details can be found in publication PMID: 35346344, PMCID: PMC8962531

NM_000038.6(APC):c.1081C>A (p.His361Asn)

Gene: APC (APC regulator of Wnt signaling pathway; plus strand). Cytogenetic location: 5q22.2.
Variant type: single nucleotide variant.
Coding change: c.1081C>A on transcript NM_000038.6 (MANE Select); coding-DNA position 1081, C replaced by A.
Protein change: p.His361Asn; replaces histidine 361 with asparagine.
Molecular consequence: missense variant. On other transcripts: non-coding transcript variant (2), intron variant (15).
Genome position (GRCh38, 1-based): chr5:112,819,113, C>A. VCF-style: chr5-112819113-C-A. GRCh37 (hg19) VCF-style: chr5-112154810-C-A.
Other names: c.1081C>A, p.His361Asn (NM_001127510.3, NM_001354895.2, NM_001354896.2 and 4 more transcripts); c.1027C>A, p.His343Asn (NM_001127511.3); c.1111C>A, p.His371Asn (NM_001354897.2, NM_001407446.1); c.1006C>A, p.His336Asn (NM_001354898.2, NM_001407451.1); c.997C>A, p.His333Asn (NM_001354899.2, NM_001407452.1); c.904C>A, p.His302Asn (NM_001354900.2, NM_001354901.2, NM_001407453.1); c.232C>A, p.His78Asn (NM_001354906.2, NM_001407470.1); c.85-156C>A (NM_001407472.1, NM_001407471.1); and 5 more; short protein forms H302N, H333N, H336N, H343N, H361N, H371N, H78N.
Identifiers: ClinVar variation 2677590 (VCV002677590.5), dbSNP rs1762828512, ClinGen allele CA16023675.